The following is an entry in ClinVar:

NM_001382347.1(MYO5A):c.1297A>G (p.Ile433Val)

Gene: MYO5A (myosin VA; minus strand). Cytogenetic location: 15q21.2.
Variant type: single nucleotide variant.
Coding change: c.1297A>G on transcript NM_001382347.1 (MANE Select); coding-DNA position 1297, A replaced by G.
Protein change: p.Ile433Val; replaces isoleucine 433 with valine.
Molecular consequence: missense variant.
Genome position (GRCh38, 1-based): chr15:52,397,223, T>C on the plus strand (A>G on the coding strand, the complement: MYO5A is on the minus strand). VCF-style: chr15-52397223-T-C. GRCh37 (hg19) VCF-style: chr15-52689420-T-C.
Other names: c.1297A>G, p.Ile433Val (NM_000259.3, NM_001142495.2, NM_001411135.1); c.1369A>G, p.Ile457Val (NM_001382348.1, NM_001382349.1); short protein forms I433V, I457V.
Identifiers: ClinVar variation 5020436 (VCV005020436.1).

ClinVar aggregate classification (germline): Uncertain significance (1 of 4 stars; one submission).

Submission:

Dasa
Classification: Uncertain significance. Last evaluated: 2026-06-03. Review status: criteria provided, single submitter. Criteria: DASA Assertion Criteria. Collection method: clinical testing. Allele origin: germline.
Comment: NM_001382347.1(MYO5A):c.1297A>G (p.Ile433Val) is a missense variant that results in the substitution of isoleucine with valine. The affected residue or protein region has prior evidence supporting clinical relevance. This variant is rare in population databases. Computational prediction algorithms are consistent with a deleterious effect. The currently available literature and clinical evidence are not sufficient to establish a definitive association between this variant and the reported condition. Therefore, this variant is classified as a variant of uncertain significance.